The following is an entry in ClinVar:

NM_004260.4(RECQL4):c.859G>A (p.Glu287Lys)

Gene: RECQL4 (RecQ like helicase 4; minus strand). Cytogenetic location: 8q24.3.
Variant type: single nucleotide variant.
Coding change: c.859G>A on transcript NM_004260.4 (MANE Select); coding-DNA position 859, G replaced by A.
Protein change: p.Glu287Lys; replaces glutamic acid 287 with lysine.
Molecular consequence: missense variant.
Genome position (GRCh38, 1-based): chr8:144,516,260, C>T on the plus strand (G>A on the coding strand, the complement: RECQL4 is on the minus strand). VCF-style: chr8-144516260-C-T. GRCh37 (hg19) VCF-style: chr8-145741644-C-T.
Other names: short protein forms E287K.
Identifiers: ClinVar variation 459522 (VCV000459522.10), dbSNP rs1383587887, ClinGen allele CA372688916.

ClinVar aggregate classification (germline): Uncertain significance. Review status: criteria provided, multiple submitters, no conflicts (2 of 4 stars). 2 submissions from 2 submitters: Uncertain significance (2). Last evaluated 2025-03-22.

Conditions:
Inborn genetic diseases. Identifiers: MedGen C0950123, MeSH D030342.
Baller-Gerold syndrome (BGS). Also called: CRANIOSYNOSTOSIS WITH RADIAL DEFECTS. Identifiers: Orphanet 1225, MedGen C0265308, MONDO:0009039, OMIM 218600.

Allele frequency attached by ClinVar (database versions not stated): gnomAD exomes below 0.00001; gnomAD 0.00001; TOPMed 0.00001.
gnomAD v4.1: 3 of 1,612,326 alleles (0.00019%); highest among the groups gnomAD compares: Non-Finnish European, 0.00025%; no homozygotes.

Submissions (2):

Ambry Genetics
Classification: Uncertain significance for Inborn genetic diseases. Last evaluated: 2025-03-22. Review status: criteria provided, single submitter. Criteria: Ambry Variant Classification Scheme 2023. Collection method: clinical testing. Allele origin: germline.

Labcorp Genetics (formerly Invitae), Labcorp
Classification: Uncertain significance for Baller-Gerold syndrome. Last evaluated: 2024-02-15. Review status: criteria provided, single submitter. Criteria: Invitae Variant Classification Sherloc (09022015). Collection method: clinical testing. Allele origin: germline.
Comment: This sequence change replaces glutamic acid, which is acidic and polar, with lysine, which is basic and polar, at codon 287 of the RECQL4 protein (p.Glu287Lys). This variant is present in population databases (no rsID available, gnomAD 0.007%). This variant has not been reported in the literature in individuals affected with RECQL4-related conditions. ClinVar contains an entry for this variant (Variation ID: 459522). Advanced modeling of protein sequence and biophysical properties (such as structural, functional, and spatial information, amino acid conservation, physicochemical variation, residue mobility, and thermodynamic stability) performed at Invitae indicates that this missense variant is not expected to disrupt RECQL4 protein function with a negative predictive value of 80%. In summary, the available evidence is currently insufficient to determine the role of this variant in disease. Therefore, it has been classified as a Variant of Uncertain Significance.